The following is an entry in ClinVar:

NM_032242.4(PLXNA1):c.5283C>T (p.Phe1761=)

Gene: PLXNA1 (plexin A1; plus strand). Cytogenetic location: 3q21.3.
Variant type: single nucleotide variant.
Coding change: c.5283C>T on transcript NM_032242.4 (MANE Select); coding-DNA position 5283, C replaced by T.
Protein change: p.Phe1761=; no amino-acid change (phenylalanine 1761 retained).
Molecular consequence: synonymous variant.
Genome position (GRCh38, 1-based): chr3:127,032,438, C>T. VCF-style: chr3-127032438-C-T. GRCh37 (hg19) VCF-style: chr3-126751281-C-T.
Identifiers: ClinVar variation 3354289 (VCV003354289.1).

ClinVar aggregate classification (germline): Likely benign (0 of 4 stars; one submission).

Conditions:
PLXNA1-related disorder. Also called: PLXNA1-related condition.

gnomAD v4.1: 20 of 1,613,952 alleles (0.0012%); highest among the groups gnomAD compares: East Asian, 0.0045%; no homozygotes.

Submission:

PreventionGenetics, part of Exact Sciences
Classification: Likely benign for PLXNA1-related condition. Last evaluated: 2022-12-22. Review status: no assertion criteria provided. Collection method: clinical testing. Allele origin: germline.
Comment: This variant is classified as likely benign based on ACMG/AMP sequence variant interpretation guidelines (Richards et al. 2015 PMID: 25741868, with internal and published modifications).